The following is an entry in ClinVar:

NM_019066.5(MAGEL2):c.102C>T (p.Pro34=)

Gene: MAGEL2 (MAGE family member L2; minus strand). Cytogenetic location: 15q11.2.
Variant type: single nucleotide variant.
Coding change: c.102C>T on transcript NM_019066.5 (MANE Select); coding-DNA position 102, C replaced by T.
Protein change: p.Pro34=; no amino-acid change (proline 34 retained).
Molecular consequence: synonymous variant.
Genome position (GRCh38, 1-based): chr15:23,647,641, G>A on the plus strand (C>T on the coding strand, the complement: MAGEL2 is on the minus strand). VCF-style: chr15-23647641-G-A. GRCh37 (hg19) VCF-style: chr15-23892788-G-A.
Identifiers: ClinVar variation 4803575 (VCV004803575.1).

ClinVar aggregate classification (germline): Uncertain significance (1 of 4 stars; one submission).

gnomAD v4.1: 12 of 1,536,476 alleles (0.00078%); highest among the groups gnomAD compares: Non-Finnish European, 0.001%; no homozygotes.

Submission:

Labcorp Genetics (formerly Invitae), Labcorp
Classification: Uncertain significance. Last evaluated: 2025-08-03. Review status: criteria provided, single submitter. Criteria: Invitae Variant Classification Sherloc (09022015). Collection method: clinical testing. Allele origin: germline.
Comment: This sequence change affects codon 34 of the MAGEL2 mRNA. It is a 'silent' change, meaning that it does not change the encoded amino acid sequence of the MAGEL2 protein. This variant is not present in population databases (gnomAD no frequency). This variant has not been reported in the literature in individuals affected with MAGEL2-related conditions. In summary, the available evidence is currently insufficient to determine the role of this variant in disease. Therefore, it has been classified as a Variant of Uncertain Significance.